The following is an entry in ClinVar:

NM_022773.4(LMF1):c.990C>A (p.Phe330Leu)

Gene: LMF1 (lipase maturation factor 1; minus strand). Cytogenetic location: 16p13.3.
Variant type: single nucleotide variant.
Coding change: c.990C>A on transcript NM_022773.4 (MANE Select); coding-DNA position 990, C replaced by A.
Protein change: p.Phe330Leu; replaces phenylalanine 330 with leucine.
Molecular consequence: missense variant. On other transcripts: non-coding transcript variant (1).
Genome position (GRCh38, 1-based): chr16:871,249, G>T on the plus strand (C>A on the coding strand, the complement: LMF1 is on the minus strand). VCF-style: chr16-871249-G-T. GRCh37 (hg19) VCF-style: chr16-921249-G-T.
Other names: c.339C>A, p.Phe113Leu (NM_001352017.2, NM_001352021.2); c.591C>A, p.Phe197Leu (NM_001352018.2); c.663C>A, p.Phe221Leu (NM_001352019.2); c.990C>A, p.Phe330Leu (NM_001352020.1); short protein forms F197L, F221L, F113L, F330L.
Identifiers: ClinVar variation 2566291 (VCV002566291.2), dbSNP rs2544498573, ClinGen allele CA394127463.

ClinVar aggregate classification (germline): Uncertain significance (1 of 4 stars; one submission).

Conditions:
Cardiovascular phenotype. Identifiers: MedGen CN230736.

Submission:

Ambry Genetics
Classification: Uncertain significance for Cardiovascular phenotype. Last evaluated: 2023-05-01. Review status: criteria provided, single submitter. Criteria: Ambry Variant Classification Scheme 2023. Collection method: clinical testing. Allele origin: germline.
Comment: The p.F330L variant (also known as c.990C>A), located in coding exon 7 of the LMF1 gene, results from a C to A substitution at nucleotide position 990. The phenylalanine at codon 330 is replaced by leucine, an amino acid with highly similar properties. This amino acid position is conserved. In addition, this alteration is predicted to be tolerated by in silico analysis. Since supporting evidence is limited at this time, the clinical significance of this alteration remains unclear.